The following is an entry in ClinVar:

NM_014244.5(ADAMTS2):c.784G>A (p.Ala262Thr)

Gene: ADAMTS2 (ADAM metallopeptidase with thrombospondin type 1 motif 2; minus strand). Cytogenetic location: 5q35.3.
Variant type: single nucleotide variant.
Coding change: c.784G>A on transcript NM_014244.5 (MANE Select); coding-DNA position 784, G replaced by A.
Protein change: p.Ala262Thr; replaces alanine 262 with threonine.
Molecular consequence: missense variant.
Genome position (GRCh38, 1-based): chr5:179,207,620, C>T on the plus strand (G>A on the coding strand, the complement: ADAMTS2 is on the minus strand). VCF-style: chr5-179207620-C-T. GRCh37 (hg19) VCF-style: chr5-178634621-C-T.
Other names: p.Ala262Thr; c.784G>A, p.Ala262Thr (NM_021599.4); short protein forms A262T.
Identifiers: ClinVar variation 353131 (VCV000353131.51), dbSNP rs376820857, ClinGen allele CA3596161.

ClinVar aggregate classification (germline): Conflicting classifications of pathogenicity. Review status: criteria provided, conflicting classifications (1 of 4 stars). 6 submissions from 6 submitters: Uncertain significance (3); Likely benign (2). 1 of the submissions does not count toward it. Last evaluated 2025-07-23.

Conditions:
ADAMTS2-related disorder. Also called: ADAMTS2-related condition.
Inborn genetic diseases. Identifiers: MedGen C0950123, MeSH D030342.
Ehlers-Danlos syndrome, dermatosparaxis type. Also called: EDS VIIC; Dermatosparaxis; Ehlers-Danlos syndrome, type VII, autosomal recessive. Identifiers: Orphanet 1901, MedGen C2700425, MONDO:0009161, OMIM 225410.

Allele frequency attached by ClinVar (database versions not stated): ESP Exome Variant Server 0.00008; gnomAD exomes 0.00011 and 0.00023; gnomAD 0.00012 and 0.00013; TOPMed 0.00015; ExAC 0.00026.
gnomAD v4.1: 184 of 1,613,742 alleles (0.011%); highest among the groups gnomAD compares: East Asian, 0.098%; 1 homozygote.

Submissions (6):

Mayo Clinic Laboratories, Mayo Clinic
Classification: Likely benign. Last evaluated: 2025-07-23. Review status: criteria provided, single submitter. Criteria: ACMG Guidelines, 2015. Collection method: clinical testing. Allele origin: germline. Observed: 2 variant alleles.
Comment: BS1, BP1, BP4_moderate

Ambry Genetics
Classification: Likely benign for Inborn genetic diseases. Last evaluated: 2023-04-25. Review status: criteria provided, single submitter. Criteria: Ambry Variant Classification Scheme 2023. Collection method: clinical testing. Allele origin: germline.

Labcorp Genetics (formerly Invitae), Labcorp
Classification: Uncertain significance for Ehlers-Danlos syndrome, dermatosparaxis type. Last evaluated: 2022-09-13. Review status: criteria provided, single submitter. Criteria: Invitae Variant Classification Sherloc (09022015). Collection method: clinical testing. Allele origin: germline.
Comment: This sequence change replaces alanine, which is neutral and non-polar, with threonine, which is neutral and polar, at codon 262 of the ADAMTS2 protein (p.Ala262Thr). This variant is present in population databases (rs376820857, gnomAD 0.2%). This variant has not been reported in the literature in individuals affected with ADAMTS2-related conditions. ClinVar contains an entry for this variant (Variation ID: 353131). Algorithms developed to predict the effect of missense changes on protein structure and function output the following: SIFT: "Tolerated"; PolyPhen-2: "Benign"; Align-GVGD: "Class C0". The threonine amino acid residue is found in multiple mammalian species, which suggests that this missense change does not adversely affect protein function. In summary, the available evidence is currently insufficient to determine the role of this variant in disease. Therefore, it has been classified as a Variant of Uncertain Significance.

CeGaT Center for Human Genetics Tuebingen
Classification: Uncertain significance. Last evaluated: 2020-11-01. Review status: criteria provided, single submitter. Criteria: CeGaT Center For Human Genetics Tuebingen Variant Classification Criteria Version 2. Collection method: clinical testing. Allele origin: germline. Affected: yes. Observed: 1 variant allele.

Illumina Laboratory Services, Illumina
Classification: Uncertain significance for Ehlers-Danlos syndrome, dermatosparaxis type. Last evaluated: 2018-01-13. Review status: criteria provided, single submitter. Criteria: ICSL Variant Classification Criteria 13 December 2019. Collection method: clinical testing. Allele origin: germline.

PreventionGenetics, part of Exact Sciences
Classification: Likely benign for ADAMTS2-related condition. Last evaluated: 2024-04-22. Review status: no assertion criteria provided. Collection method: clinical testing. Allele origin: germline. Not counted in ClinVar's aggregate classification.
Comment: This variant is classified as likely benign based on ACMG/AMP sequence variant interpretation guidelines (Richards et al. 2015 PMID: 25741868, with internal and published modifications).